The following is an entry in ClinVar:

ClinVar aggregate classification (germline): Uncertain significance (1 of 4 stars; one submission).

Submission:

GeneDx
Classification: Uncertain significance. Last evaluated: 2025-05-14. Review status: criteria provided, single submitter. Criteria: GeneDx Variant Classification Process June 2021. Collection method: clinical testing. Allele origin: germline. Affected: yes.
Comment: Not observed at significant frequency in large population cohorts (gnomAD); In silico analysis supports that this missense variant has a deleterious effect on protein structure/function; Has not been previously published as pathogenic or benign to our knowledge

NM_017672.6(TRPM7):c.3063A>G (p.Ile1021Met)

Gene: TRPM7 (transient receptor potential cation channel subfamily M member 7; minus strand). Cytogenetic location: 15q21.2.
Variant type: single nucleotide variant.
Coding change: c.3063A>G on transcript NM_017672.6 (MANE Select); coding-DNA position 3063, A replaced by G.
Protein change: p.Ile1021Met; replaces isoleucine 1021 with methionine.
Molecular consequence: missense variant. On other transcripts: non-coding transcript variant (3).
Genome position (GRCh38, 1-based): chr15:50,599,222, T>C on the plus strand (A>G on the coding strand, the complement: TRPM7 is on the minus strand). VCF-style: chr15-50599222-T-C. GRCh37 (hg19) VCF-style: chr15-50891419-T-C.
Other names: c.3063A>G, p.Ile1021Met (NM_001301212.2); short protein forms I1021M.
Identifiers: ClinVar variation 4529855 (VCV004529855.1).